The following is an entry in ClinVar:

NM_133433.4(NIPBL):c.3178del (p.Glu1060fs)

Gene: NIPBL (NIPBL cohesin loading factor; plus strand). Cytogenetic location: 5p13.2.
Variant type: Deletion.
Coding change: c.3178del on transcript NM_133433.4 (MANE Select); coding-DNA position 3178, one base deleted (G; older notation c.3178delG).
Protein change: p.Glu1060fs; shifts the reading frame from glutamic acid 1060.
Molecular consequence: frameshift variant.
Genome position (GRCh38, 1-based): chr5:36,995,678, G deleted. VCF-style (leftmost placement, unchanged base first): chr5-36995677-TG-T. GRCh37 (hg19) VCF-style: chr5-36995779-TG-T.
Other names: c.3178del, p.Glu1060fs (NM_015384.5); short protein forms E1060fs.
Identifiers: ClinVar variation 1351385 (VCV001351385.6), dbSNP rs2149662539, ClinGen allele CA2573139574.
Genomic context (GRCh38, chr5:36,995,677, plus strand): 5'-AATAGGTAGTATAGATCAATCAGTGTTAAAAGAATTACCCCCTGAACTCCTGGCAGAAAT[TG>T]AGTCCACCATGCCACTTTGTGAACGTGTGAAAATGAACAAACGCAAGCGTAGCACAGTTA-3'

ClinVar aggregate classification (germline): Pathogenic (1 of 4 stars; one submission).

Conditions:
Cornelia de Lange syndrome 1 (CDLS1). Also called: TYPUS DEGENERATIVUS AMSTELODAMENSIS; NIPBL-Related Cornelia de Lange Syndrome; Brachmann de Lange syndrome. Identifiers: Orphanet 199, MedGen C4551851, MONDO:0007387, OMIM 122470.

Submission:

Labcorp Genetics (formerly Invitae), Labcorp
Classification: Pathogenic for Cornelia de Lange syndrome 1. Last evaluated: 2021-03-25. Review status: criteria provided, single submitter. Criteria: Invitae Variant Classification Sherloc (09022015). Collection method: clinical testing. Allele origin: germline.
Comment: For these reasons, this variant has been classified as Pathogenic. This variant has not been reported in the literature in individuals with NIPBL-related conditions. This variant is not present in population databases (ExAC no frequency). This sequence change creates a premature translational stop signal (p.Glu1060Serfs*10) in the NIPBL gene. It is expected to result in an absent or disrupted protein product. Loss-of-function variants in NIPBL are known to be pathogenic (PMID: 15318302, 19763162, 23505322, 29995837).

Literature cited by the submitters: PubMed 15318302; PubMed 19763162; PubMed 23505322; PubMed 29995837.